The following is an entry in ClinVar:

ClinVar aggregate classification (germline): Uncertain significance. Review status: reviewed by expert panel (3 of 4 stars). 2 submissions from 2 submitters: Uncertain significance (1). 1 of the submissions does not count toward it. Last evaluated 2026-02-06.

Conditions:
Hereditary factor VIII deficiency disease (HEMA). Also called: HEMOPHILIA, CLASSIC; AUTOSOMAL HEMOPHILIA A; Hemophilia A; Hemophilia A, congenital; HEM A; Factor 8 deficiency, congenital. Identifiers: Orphanet 98878, MedGen C0019069, MONDO:0010602, OMIM 306700.

gnomAD v4.1: 1 of 1,206,210 alleles (0.000083%); highest among the groups gnomAD compares: Non-Finnish European, 0.00011%; no homozygotes.

Submissions (2):

ClinGen Coagulation Factor Deficiency Variant Curation Expert Panel, Clingen
Classification: Uncertain significance for Hereditary factor VIII deficiency disease. Last evaluated: 2026-02-06. Review status: reviewed by expert panel. Criteria: ClinGen CoagFactor ACMG Specifications F8 V1.0.0. Collection method: curation. Allele origin: germline. Inheritance: X-linked inheritance.
Comment: The F8 c.6028T>C (p.Ser2010Pro) variant is completely absent from population databases (gnomAD v2.1.1/gnomAD v3). This missense variant has a REVEL score of 0.599 (>0.6), which does not meet the cut off for PP3. At least three individuals with the p.Ser2010Pro variant and severe hemophilia A have been reported in the literature (PMID: 23306409). In summary, based on the evidence available at this time, the clinical significance of this variant is uncertain. ACMG/AMP criteria applied, as specified by the Coagulation Factor Deficiency Variant Curation Expert Panel for F8 Rule specification v1.0.0: PS4_Moderate, PM2_Supporting, BS2.

Myriad Genetics, Inc.
Classification: Uncertain significance for Hereditary factor VIII deficiency disease. Last evaluated: 2026-02-20. Review status: criteria provided, single submitter. Criteria: Myriad Autosomal Dominant, Autosomal Recessive and X-Linked Classification Criteria (2023). Collection method: clinical testing. Allele origin: unknown. Not counted in ClinVar's aggregate classification.
Comment: NM_000132.3(F8):c.6028T>C(S2010P) is a missense variant classified as a variant of uncertain significance in the context of hemophilia A. S2010P has been observed in cases with relevant disease (PMID: 23306409). Relevant functional assessments of this variant are not available in the literature. S2010P has not been observed in referenced population frequency databases. In summary, there is insufficient evidence to classify NM_000132.3(F8):c.6028T>C(S2010P) as pathogenic or benign. Please note: this variant was assessed in the context of healthy population screening.

Literature cited by the submitters: PubMed 23306409 (cited by Myriad Genetics, Inc.).

NM_000132.4(F8):c.6028T>C (p.Ser2010Pro)

Gene: F8 (coagulation factor VIII; minus strand). Cytogenetic location: Xq28.
Variant type: single nucleotide variant.
Coding change: c.6028T>C on transcript NM_000132.4 (MANE Select); coding-DNA position 6028, T replaced by C.
Protein change: p.Ser2010Pro; replaces serine 2010 with proline.
Molecular consequence: missense variant.
Genome position (GRCh38, 1-based): chrX:154,902,138, A>G on the plus strand (T>C on the coding strand, the complement: F8 is on the minus strand). VCF-style: chrX-154902138-A-G. GRCh37 (hg19) VCF-style: chrX-154130413-A-G.
Other names: NM_000132.4:c.6028T>C; short protein forms S2010P.
Identifiers: ClinVar variation 3358853 (VCV003358853.3).